The following is an entry in ClinVar:

NM_001360.3(DHCR7):c.855C>T (p.Phe285=)

Gene: DHCR7 (7-dehydrocholesterol reductase; minus strand). Cytogenetic location: 11q13.4.
Variant type: single nucleotide variant.
Coding change: c.855C>T on transcript NM_001360.3 (MANE Select); coding-DNA position 855, C replaced by T.
Protein change: p.Phe285=; no amino-acid change (phenylalanine 285 retained).
Molecular consequence: synonymous variant.
Genome position (GRCh38, 1-based): chr11:71,437,920, G>A on the plus strand (C>T on the coding strand, the complement: DHCR7 is on the minus strand). VCF-style: chr11-71437920-G-A. GRCh37 (hg19) VCF-style: chr11-71148966-G-A.
Other names: c.855C>T, p.Phe285= (NM_001163817.2).
Identifiers: ClinVar variation 287781 (VCV000287781.22), dbSNP rs781026169, ClinGen allele CA6162415.
Genomic context (GRCh38, chr11:71,437,920, plus strand): 5'-GTACCACCCGAAGTGGTCATGGCAGATGTCAATGGTCTTCAGGTACCAGGTTTCGTTCCA[G>A]AAGAAGTCAATCACGTAGATGGCCTGCAAGACAGAAGCAGCCGCTGACCACCCCCGGCCC-3'
Protein context (NP_001351.2, residues 275-295): VLQAIYVIDF[Phe285=]WNETWYLKTI

ClinVar aggregate classification (germline): Conflicting classifications of pathogenicity. Review status: criteria provided, conflicting classifications (1 of 4 stars). 6 submissions from 6 submitters: Uncertain significance (1); Likely benign (3). 2 of the submissions do not count toward it. Last evaluated 2025-12-15.

Conditions:
Smith-Lemli-Opitz syndrome (SLOS). Also called: LETHAL ACRODYSGENITAL SYNDROME; 7-Dehydrocholesterol reductase deficiency; POLYDACTYLY, SEX REVERSAL, RENAL HYPOPLASIA, AND UNILOBAR LUNG; RSH SYNDROME; RUTLEDGE LETHAL MULTIPLE CONGENITAL ANOMALY SYNDROME. Identifiers: Orphanet 818, MedGen C0175694, MONDO:0010035, OMIM 270400.
DHCR7-related disorder. Also called: DHCR7-related condition.

Allele frequency attached by ClinVar (database versions not stated): gnomAD 0.00007; gnomAD exomes 0.00008 and 0.00017; TOPMed 0.00008; ExAC 0.00004.
gnomAD v4.1: 261 of 1,613,560 alleles (0.016%); highest among the groups gnomAD compares: Non-Finnish European, 0.021%; no homozygotes.

Submissions (6):

Labcorp Genetics (formerly Invitae), Labcorp
Classification: Likely benign for Smith-Lemli-Opitz syndrome. Last evaluated: 2025-12-15. Review status: criteria provided, single submitter. Criteria: Invitae Variant Classification Sherloc (09022015). Collection method: clinical testing. Allele origin: germline.

Blueprint Genetics
Classification: Likely benign. Last evaluated: 2022-09-02. Review status: criteria provided, single submitter. Criteria: ACMG Guidelines, 2015. Collection method: clinical testing. Allele origin: germline.

GeneDx
Classification: Likely benign. Last evaluated: 2021-04-09. Review status: criteria provided, single submitter. Criteria: GeneDx Variant Classification Process June 2021. Collection method: clinical testing. Allele origin: germline. Affected: yes.

Eurofins Ntd Llc (ga)
Classification: Uncertain significance. Last evaluated: 2017-08-23. Review status: criteria provided, single submitter. Criteria: EGL Classification Definitions 2015. Collection method: clinical testing. Allele origin: germline. Observed: 3 variant alleles, 3 heterozygotes.

PreventionGenetics, part of Exact Sciences
Classification: Likely benign for DHCR7-related condition. Last evaluated: 2020-11-24. Review status: no assertion criteria provided. Collection method: clinical testing. Allele origin: germline. Not counted in ClinVar's aggregate classification.
Comment: This variant is classified as likely benign based on ACMG/AMP sequence variant interpretation guidelines (Richards et al. 2015 PMID: 25741868, with internal and published modifications).

Natera, Inc.
Classification: Uncertain significance for Smith-Lemli-Opitz syndrome. Last evaluated: 2018-10-06. Review status: no assertion criteria provided. Collection method: clinical testing. Allele origin: germline. Not counted in ClinVar's aggregate classification.